The following is an entry in ClinVar:

NM_000426.4(LAMA2):c.6752C>A (p.Pro2251His)

Gene: LAMA2 (laminin subunit alpha 2; plus strand). Cytogenetic location: 6q22.33.
Variant type: single nucleotide variant.
Coding change: c.6752C>A on transcript NM_000426.4 (MANE Select); coding-DNA position 6752, C replaced by A.
Protein change: p.Pro2251His; replaces proline 2251 with histidine.
Molecular consequence: missense variant.
Genome position (GRCh38, 1-based): chr6:129,456,379, C>A. VCF-style: chr6-129456379-C-A. GRCh37 (hg19) VCF-style: chr6-129777524-C-A.
Other names: c.6752C>A, p.Pro2251His (NM_001079823.2); short protein forms P2251H.
Identifiers: ClinVar variation 662947 (VCV000662947.31), dbSNP rs546395293, ClinGen allele CA3994358.

ClinVar aggregate classification (germline): Uncertain significance. Review status: criteria provided, multiple submitters, no conflicts (2 of 4 stars). 5 submissions from 5 submitters: Uncertain significance (5). Last evaluated 2024-12-11.

Conditions:
Merosin deficient congenital muscular dystrophy (MDC1A). Also called: Congenital merosin-deficient muscular dystrophy 1A; Congenital Muscular Dystrophy Type 1A (MDC1A). Identifiers: Orphanet 258, MedGen C1263858, MONDO:0011925, OMIM 607855.
LAMA2-related muscular dystrophy (LAMA2-RD). Also called: Laminin alpha 2-related dystrophy. Identifiers: MedGen C5679788, MONDO:0100228.

Allele frequency attached by ClinVar (database versions not stated): gnomAD exomes below 0.00001; TOPMed below 0.00001; ExAC 0.00001; gnomAD 0.00001; 1000 Genomes Project 30x 0.00016; 1000 Genomes Project 0.00020.
gnomAD v4.1: 5 of 1,613,554 alleles (0.00031%); highest among the groups gnomAD compares: African/African-American, 0.0053%; no homozygotes.

Submissions (5):

Revvity Omics, Revvity
Classification: Uncertain significance. Last evaluated: 2024-12-11. Review status: criteria provided, single submitter. Criteria: ACMG Guidelines, 2015. Collection method: clinical testing. Allele origin: germline.

CeGaT Center for Human Genetics Tuebingen
Classification: Uncertain significance. Last evaluated: 2023-07-01. Review status: criteria provided, single submitter. Criteria: CeGaT Center For Human Genetics Tuebingen Variant Classification Criteria Version 2. Collection method: clinical testing. Allele origin: germline. Affected: yes. Observed: 1 variant allele.
Comment: LAMA2: PM2

Labcorp Genetics (formerly Invitae), Labcorp
Classification: Uncertain significance for LAMA2-related muscular dystrophy. Last evaluated: 2022-08-15. Review status: criteria provided, single submitter. Criteria: Invitae Variant Classification Sherloc (09022015). Collection method: clinical testing. Allele origin: germline.
Comment: This sequence change replaces proline, which is neutral and non-polar, with histidine, which is basic and polar, at codon 2251 of the LAMA2 protein (p.Pro2251His). This variant is present in population databases (rs546395293, gnomAD 0.003%). This variant has not been reported in the literature in individuals affected with LAMA2-related conditions. ClinVar contains an entry for this variant (Variation ID: 662947). Advanced modeling of protein sequence and biophysical properties (such as structural, functional, and spatial information, amino acid conservation, physicochemical variation, residue mobility, and thermodynamic stability) performed at Invitae indicates that this missense variant is not expected to disrupt LAMA2 protein function. In summary, the available evidence is currently insufficient to determine the role of this variant in disease. Therefore, it has been classified as a Variant of Uncertain Significance.

Baylor Genetics
Classification: Uncertain significance for Merosin deficient congenital muscular dystrophy. Last evaluated: 2020-06-19. Review status: criteria provided, single submitter. Criteria: ACMG Guidelines, 2015. Collection method: clinical testing. Allele origin: unknown. Affected: yes.
Comment: This variant was determined to be of uncertain significance according to ACMG Guidelines, 2015 [PMID:25741868].

Blueprint Genetics
Classification: Uncertain significance. Last evaluated: 2019-12-03. Review status: criteria provided, single submitter. Criteria: ACMG Guidelines, 2015. Collection method: clinical testing. Allele origin: germline.